The following is an entry in ClinVar:

ClinVar aggregate classification (germline): Uncertain significance (1 of 4 stars; one submission).

Conditions:
Hereditary cancer-predisposing syndrome. Also called: Neoplastic Syndromes, Hereditary; Tumor predisposition; Hereditary neoplastic syndrome; Hereditary Cancer Syndrome. Identifiers: Orphanet 140162, MedGen C0027672, MeSH D009386, MONDO:0015356.

Submission:

Ambry Genetics
Classification: Uncertain significance for Hereditary cancer-predisposing syndrome. Last evaluated: 2026-07-06. Review status: criteria provided, single submitter. Criteria: Ambry Variant Classification Scheme 2023. Collection method: clinical testing. Allele origin: germline.
Comment: The p.D434V variant (also known as c.1301A>T), located in coding exon 5 of the AXIN2 gene, results from an A to T substitution at nucleotide position 1301. The aspartic acid at codon 434 is replaced by valine, an amino acid with highly dissimilar properties. This amino acid position is conserved. In addition, the in silico prediction for this alteration is inconclusive. Based on the available evidence, the clinical significance of this variant remains unclear.

NM_004655.4(AXIN2):c.1301A>T (p.Asp434Val)

Gene: AXIN2 (axin 2; minus strand). Cytogenetic location: 17q24.1.
Variant type: single nucleotide variant.
Coding change: c.1301A>T on transcript NM_004655.4 (MANE Select); coding-DNA position 1301, A replaced by T.
Protein change: p.Asp434Val; replaces aspartic acid 434 with valine.
Molecular consequence: missense variant.
Genome position (GRCh38, 1-based): chr17:65,537,735, T>A on the plus strand (A>T on the coding strand, the complement: AXIN2 is on the minus strand). VCF-style: chr17-65537735-T-A. GRCh37 (hg19) VCF-style: chr17-63533853-T-A.
Other names: c.1301A>T, p.Asp434Val (NM_001363813.1); short protein forms D434V.
Identifiers: ClinVar variation 5032536 (VCV005032536.1).
Genomic context (GRCh38, chr17:65,537,735, plus strand): 5'-GACTGGCAGCCAGGGGTCTTGAGGACCCTGGACAGGTGATCGTCCAGTATCGTCTGCGGG[T>A]CTTCCTCGTAGCTGCCGGAGGGCAGTAGGGAGAGGGGGTGCTGCGTGGGCGCCCCCTCCC-3'
Protein context (NP_004646.3, residues 424-444): SLLPSGSYEE[Asp434Val]PQTILDDHLS